The following is an entry in ClinVar:

NM_018671.5(UNC45A):c.293G>A (p.Arg98Gln)

Gene: UNC45A (unc-45 myosin chaperone A; plus strand). Cytogenetic location: 15q26.1.
Variant type: single nucleotide variant.
Coding change: c.293G>A on transcript NM_018671.5 (MANE Select); coding-DNA position 293, G replaced by A.
Protein change: p.Arg98Gln; replaces arginine 98 with glutamine.
Molecular consequence: missense variant. On other transcripts: 5 prime UTR variant (1).
Genome position (GRCh38, 1-based): chr15:90,936,327, G>A. VCF-style: chr15-90936327-G-A. GRCh37 (hg19) VCF-style: chr15-91479557-G-A.
Other names: c.248G>A, p.Arg83Gln (NM_001039675.2, NM_001323621.2); c.293G>A, p.Arg98Gln (NM_001323619.1); c.-143G>A (NM_001323620.2); short protein forms R98Q, R83Q.
Identifiers: ClinVar variation 1931409 (VCV001931409.2), dbSNP rs200456477, ClinGen allele CA7742496.

ClinVar aggregate classification (germline): Uncertain significance (1 of 4 stars; one submission).

Allele frequency attached by ClinVar (database versions not stated): gnomAD 0.00001; gnomAD exomes 0.00002; ExAC 0.00006; 1000 Genomes Project 0.00020; 1000 Genomes Project 30x 0.00031.
gnomAD v4.1: 32 of 1,614,068 alleles (0.002%); highest among the groups gnomAD compares: South Asian, 0.016%; no homozygotes.

Submission:

Labcorp Genetics (formerly Invitae), Labcorp
Classification: Uncertain significance. Last evaluated: 2022-05-20. Review status: criteria provided, single submitter. Criteria: Invitae Variant Classification Sherloc (09022015). Collection method: clinical testing. Allele origin: germline.
Comment: This sequence change replaces arginine, which is basic and polar, with glutamine, which is neutral and polar, at codon 98 of the UNC45A protein (p.Arg98Gln). This variant is present in population databases (rs200456477, gnomAD 0.02%). This variant has not been reported in the literature in individuals affected with UNC45A-related conditions. Algorithms developed to predict the effect of missense changes on protein structure and function are either unavailable or do not agree on the potential impact of this missense change (SIFT: "Not Available"; PolyPhen-2: "Probably Damaging"; Align-GVGD: "Not Available"). In summary, the available evidence is currently insufficient to determine the role of this variant in disease. Therefore, it has been classified as a Variant of Uncertain Significance.